The following is an entry in ClinVar:

ClinVar aggregate classification (germline): Uncertain significance (1 of 4 stars; one submission).

Conditions:
Long QT syndrome (LQTS). Identifiers: MedGen C0023976, MeSH D008133, MONDO:0002442. Disease mechanism: loss of function. Inheritance: Various modes of inheritance.

gnomAD v4.1: 8 of 1,614,024 alleles (0.0005%); highest among the groups gnomAD compares: South Asian, 0.0055%; no homozygotes.

Submission:

Labcorp Genetics (formerly Invitae), Labcorp
Classification: Uncertain significance for Long QT syndrome. Last evaluated: 2024-08-15. Review status: criteria provided, single submitter. Criteria: Invitae Variant Classification Sherloc (09022015). Collection method: clinical testing. Allele origin: germline.
Comment: This sequence change replaces glycine, which is neutral and non-polar, with aspartic acid, which is acidic and polar, at codon 2293 of the ANK2 protein (p.Gly2293Asp). This variant is present in population databases (rs776469600, gnomAD 0.003%). This missense change has been observed in individual(s) with arrhythmia (PMID: 30847666). An algorithm developed to predict the effect of missense changes on protein structure and function outputs the following: PolyPhen-2: "Benign". The aspartic acid amino acid residue is found in multiple mammalian species, which suggests that this missense change does not adversely affect protein function. In summary, the available evidence is currently insufficient to determine the role of this variant in disease. Therefore, it has been classified as a Variant of Uncertain Significance.

Literature cited by the submitters: PubMed 30847666.

NM_001148.6(ANK2):c.6878G>A (p.Gly2293Asp)

Genes: ANK2 (ankyrin 2; plus strand), LOC126807137 (CDK7 strongly-dependent group 2 enhancer GRCh37_chr4:114276560-114277759; plus strand). Cytogenetic location: 4q26.
Variant type: single nucleotide variant.
Coding change: c.6878G>A on transcript NM_001148.6 (MANE Select); coding-DNA position 6878, G replaced by A.
Protein change: p.Gly2293Asp; replaces glycine 2293 with aspartic acid.
Molecular consequence: missense variant. On other transcripts: intron variant (68).
Genome position (GRCh38, 1-based): chr4:113,355,496, G>A. VCF-style: chr4-113355496-G-A. GRCh37 (hg19) VCF-style: chr4-114276652-G-A.
Other names: c.6644G>A, p.Gly2215Asp (NM_001386142.1); c.3278G>A, p.Gly1093Asp (NM_001386166.1); c.7019G>A, p.Gly2340Asp (NM_001386174.1); c.6995G>A, p.Gly2332Asp (NM_001386175.1); c.4411+5247G>A (NM_001386186.2, NM_001386148.2); c.4213+5247G>A (NM_001354269.3); c.4291+5247G>A (NM_001386187.2); c.4252+5247G>A (NM_001386147.1); and 35 more; short protein forms G1093D, G2215D, G2293D, G2332D, G2340D.
Identifiers: ClinVar variation 3624086 (VCV003624086.2).
Genomic context (GRCh38, chr4:113,355,496, plus strand): 5'-TTCGTTCAGAAAAAGAGCATCCCACGACCAAAGACATTACTGGTGGCTCTGAAGAGCGAG[G>A]TGCCACAGTCACTGAGGACTCAGAGACCTCTACTGAGAGTTTTCAGAAAGAGGCCACTCT-3'
Protein context (NP_001139.3, residues 2283-2303): KDITGGSEER[Gly2293Asp]ATVTEDSETS